The following is an entry in ClinVar:

NM_000282.4(PCCA):c.136A>G (p.Met46Val)

Gene: PCCA (propionyl-CoA carboxylase subunit alpha; plus strand). Cytogenetic location: 13q32.3.
Variant type: single nucleotide variant.
Coding change: c.136A>G on transcript NM_000282.4 (MANE Select); coding-DNA position 136, A replaced by G.
Protein change: p.Met46Val; replaces methionine 46 with valine.
Molecular consequence: missense variant. On other transcripts: 5 prime UTR variant (3), non-coding transcript variant (4), intron variant (3).
Genome position (GRCh38, 1-based): chr13:100,102,913, A>G. VCF-style: chr13-100102913-A-G. GRCh37 (hg19) VCF-style: chr13-100755167-A-G.
Other names: c.136A>G, p.Met46Val (NM_001178004.2, NM_001352605.2, NM_001352606.2 and 1 more transcripts); c.-731A>G (NM_001352610.2, NM_001352611.2, NM_001352612.2); c.106-8928A>G (NM_001127692.3, NM_001352607.2, NM_001352608.2); short protein forms M46V.
Identifiers: ClinVar variation 1488182 (VCV001488182.3), dbSNP rs774158004, ClinGen allele CA7033100.

ClinVar aggregate classification (germline): Uncertain significance (1 of 4 stars; one submission).

Conditions:
Propionic acidemia (PROP). Also called: GLYCINEMIA, KETOTIC; HYPERGLYCINEMIA WITH KETOACIDOSIS AND LEUKOPENIA; KETOTIC HYPERGLYCINEMIA. Identifiers: Orphanet 35, MedGen C0268579, MONDO:0011628, OMIM 606054, HP:0003571.

Allele frequency attached by ClinVar (database versions not stated): gnomAD exomes below 0.00001; ExAC 0.00001; TOPMed 0.00001.
gnomAD v4.1: 1 of 1,612,522 alleles (0.000062%); highest among the groups gnomAD compares: Admixed American, 0.0017%; no homozygotes.

Submission:

Labcorp Genetics (formerly Invitae), Labcorp
Classification: Uncertain significance for Propionic acidemia. Last evaluated: 2022-03-08. Review status: criteria provided, single submitter. Criteria: Invitae Variant Classification Sherloc (09022015). Collection method: clinical testing. Allele origin: germline.
Comment: This sequence change replaces methionine, which is neutral and non-polar, with valine, which is neutral and non-polar, at codon 46 of the PCCA protein (p.Met46Val). This variant is present in population databases (rs774158004, gnomAD 0.003%). This variant has not been reported in the literature in individuals affected with PCCA-related conditions. Advanced modeling of protein sequence and biophysical properties (such as structural, functional, and spatial information, amino acid conservation, physicochemical variation, residue mobility, and thermodynamic stability) performed at Invitae indicates that this missense variant is not expected to disrupt PCCA protein function. In summary, the available evidence is currently insufficient to determine the role of this variant in disease. Therefore, it has been classified as a Variant of Uncertain Significance.